The following is an entry in ClinVar:

NM_014946.4(SPAST):c.664A>T (p.Asn222Tyr)

Gene: SPAST (spastin; plus strand). Cytogenetic location: 2p22.3.
Variant type: single nucleotide variant.
Coding change: c.664A>T on transcript NM_014946.4 (MANE Select); coding-DNA position 664, A replaced by T.
Protein change: p.Asn222Tyr; replaces asparagine 222 with tyrosine.
Molecular consequence: missense variant. On other transcripts: intron variant (3).
Genome position (GRCh38, 1-based): chr2:32,098,873, A>T. VCF-style: chr2-32098873-A-T. GRCh37 (hg19) VCF-style: chr2-32323942-A-T.
Other names: c.661A>T, p.Asn221Tyr (NM_001363823.2); c.586+9268A>T (NM_199436.2, NM_001377959.1); c.583+9268A>T (NM_001363875.2); short protein forms N221Y, N222Y.
Identifiers: ClinVar variation 2719582 (VCV002719582.3), dbSNP rs1354823029, ClinGen allele CA346604001.

ClinVar aggregate classification (germline): Uncertain significance (1 of 4 stars; one submission).

Conditions:
Hereditary spastic paraplegia 4. Also called: Spastic Paraplegia 4; Spastic paraplegia 4, autosomal dominant; Familial spastic paraplegia autosomal dominant 2. Identifiers: Orphanet 100985, MedGen C1866855, MONDO:0008438, OMIM 182601.

gnomAD v4.1: 6 of 1,613,190 alleles (0.00037%); highest among the groups gnomAD compares: Non-Finnish European, 0.00051%; no homozygotes.

Submission:

Labcorp Genetics (formerly Invitae), Labcorp
Classification: Uncertain significance for Hereditary spastic paraplegia 4. Last evaluated: 2024-07-25. Review status: criteria provided, single submitter. Criteria: Invitae Variant Classification Sherloc (09022015). Collection method: clinical testing. Allele origin: germline.
Comment: This sequence change replaces asparagine, which is neutral and polar, with tyrosine, which is neutral and polar, at codon 222 of the SPAST protein (p.Asn222Tyr). This variant is not present in population databases (gnomAD no frequency). This variant has not been reported in the literature in individuals affected with SPAST-related conditions. Advanced modeling of protein sequence and biophysical properties (such as structural, functional, and spatial information, amino acid conservation, physicochemical variation, residue mobility, and thermodynamic stability) has been performed at Invitae for this missense variant, however the output from this modeling did not meet the statistical confidence thresholds required to predict the impact of this variant on SPAST protein function. In summary, the available evidence is currently insufficient to determine the role of this variant in disease. Therefore, it has been classified as a Variant of Uncertain Significance.